The following is an entry in ClinVar:

ClinVar aggregate classification (germline): Uncertain significance (1 of 4 stars; one submission).

Conditions:
Cardiomyopathy (CMYO). Also called: Cardiomyopathies. Identifiers: Orphanet 167848, MedGen C0878544, MONDO:0004994, HP:0001638. Inheritance: Various modes of inheritance.

Submission:

Color Diagnostics, LLC DBA Color Health
Classification: Uncertain significance for Cardiomyopathy. Last evaluated: 2025-07-20. Review status: criteria provided, single submitter. Criteria: ACMG Guidelines, 2015. Collection method: clinical testing. Allele origin: germline.
Comment: This missense variant replaces valine with phenylalanine at codon 28 of the DSG2 protein. Computational prediction suggests that this variant may not impact protein structure and function. To our knowledge, functional studies have not been reported for this variant. This variant has not been reported in individuals affected with DSG2-related disorders in the literature. This variant has not been identified in the general population by the Genome Aggregation Database (gnomAD). The available evidence is insufficient to determine the role of this variant in disease conclusively. Therefore, this variant is classified as a Variant of Uncertain Significance.

NM_001943.5(DSG2):c.82G>T (p.Val28Phe)

Gene: DSG2 (desmoglein 2; plus strand). Cytogenetic location: 18q12.1.
Variant type: single nucleotide variant.
Coding change: c.82G>T on transcript NM_001943.5 (MANE Select); coding-DNA position 82, G replaced by T.
Protein change: p.Val28Phe; replaces valine 28 with phenylalanine.
Molecular consequence: missense variant.
Genome position (GRCh38, 1-based): chr18:31,519,803, G>T. VCF-style: chr18-31519803-G-T. GRCh37 (hg19) VCF-style: chr18-29099766-G-T.
Other names: short protein forms V28F.
Identifiers: ClinVar variation 4759027 (VCV004759027.1).